The following is an entry in ClinVar:

NM_016653.3(MAP3K20):c.1640A>T (p.Gln547Leu)

Genes: MAP3K20 (mitogen-activated protein kinase kinase kinase 20; plus strand), MAP3K20-AS1 (MAP3K20 antisense RNA 1; minus strand). Cytogenetic location: 2q31.1.
Variant type: single nucleotide variant.
Coding change: c.1640A>T on transcript NM_016653.3 (MANE Select); coding-DNA position 1640, A replaced by T.
Protein change: p.Gln547Leu; replaces glutamine 547 with leucine.
Molecular consequence: missense variant.
Genome position (GRCh38, 1-based): chr2:173,263,833, A>T. VCF-style: chr2-173263833-A-T. GRCh37 (hg19) VCF-style: chr2-174128561-A-T.
Other names: c.1640A>T (NM_016653.2); short protein forms Q547L.
Identifiers: ClinVar variation 1561846 (VCV001561846.37), dbSNP rs188158548, ClinGen allele CA1970921.
Genomic context (GRCh38, chr2:173,263,833, plus strand): 5'-AACATGTCCATTCGATTCAGTGGAGTAGAACAAAACCTCAGGATGAAGTGAAAGCAGTCC[A>T]ACTTGCCATTCAGACATTATTCACCAATTCAGATGGCAACCCTGGAAGCAGGTCCGACTC-3'
Protein context (NP_057737.2, residues 537-557): TKPQDEVKAV[Gln547Leu]LAIQTLFTNS

ClinVar aggregate classification (germline): Conflicting classifications of pathogenicity. Review status: criteria provided, conflicting classifications (1 of 4 stars). 5 submissions from 5 submitters: Uncertain significance (1); Likely benign (4). Last evaluated 2026-09-01.

Conditions:
MAP3K20-related disorder. Also called: MAP3K20-related condition.

Allele frequency attached by ClinVar (database versions not stated): 1000 Genomes Project 30x 0.00078; 1000 Genomes Project 0.00080; gnomAD 0.00095 and 0.00096; TOPMed 0.00098; gnomAD exomes 0.00113 and 0.00133; ESP Exome Variant Server 0.00132; ExAC 0.00134.
gnomAD v4.1: 2,093 of 1,613,708 alleles (0.13%); highest among the groups gnomAD compares: Middle Eastern, 0.2%; 4 homozygotes.

Submissions (5):

CeGaT Center for Human Genetics Tuebingen
Classification: Likely benign. Last evaluated: 2026-09-01. Review status: criteria provided, single submitter. Criteria: CeGaT Center For Human Genetics Tuebingen Variant Classification Criteria Version 2. Collection method: clinical testing. Allele origin: germline. Affected: yes. Observed: 4 variant alleles.
Comment: MAP3K20: BP4

Labcorp Genetics (formerly Invitae), Labcorp
Classification: Likely benign. Last evaluated: 2026-01-13. Review status: criteria provided, single submitter. Criteria: Invitae Variant Classification Sherloc (09022015). Collection method: clinical testing. Allele origin: germline.

PreventionGenetics, part of Exact Sciences
Classification: Likely benign for MAP3K20-related condition. Last evaluated: 2025-01-13. Review status: criteria provided, single submitter. Criteria: ACMG Guidelines, 2015. Collection method: clinical testing. Allele origin: germline.
Comment: This variant is classified as likely benign based on ACMG/AMP sequence variant interpretation guidelines (Richards et al. 2015 PMID: 25741868, with internal and published modifications).

Blueprint Genetics
Classification: Likely benign. Last evaluated: 2024-11-25. Review status: criteria provided, single submitter. Criteria: ACMG Guidelines, 2015. Collection method: clinical testing. Allele origin: germline.

Revvity Omics, Revvity
Classification: Uncertain significance. Last evaluated: 2022-10-12. Review status: criteria provided, single submitter. Criteria: ACMG Guidelines, 2015. Collection method: clinical testing. Allele origin: germline.